The following is an entry in ClinVar:

NM_022042.4(SLC26A1):c.1306G>A (p.Asp436Asn)

Genes: IDUA (alpha-L-iduronidase; plus strand), SLC26A1 (solute carrier family 26 member 1; minus strand). Cytogenetic location: 4p16.3.
Variant type: single nucleotide variant.
Coding change: c.1306G>A on transcript NM_022042.4 (MANE Select); coding-DNA position 1306, G replaced by A.
Protein change: p.Asp436Asn; replaces aspartic acid 436 with asparagine.
Molecular consequence: missense variant. On other transcripts: intron variant (2).
Genome position (GRCh38, 1-based): chr4:989,633, C>T on the plus strand (G>A on the coding strand, the complement: SLC26A1 is on the minus strand). VCF-style: chr4-989633-C-T. GRCh37 (hg19) VCF-style: chr4-983421-C-T.
Other names: c.1306G>A, p.Asp436Asn (NM_213613.4); c.576+1495G>A (NM_134425.4); c.299+1684C>T (NM_000203.5); short protein forms D436N.
Identifiers: ClinVar variation 2458562 (VCV002458562.5), dbSNP rs779417668, ClinGen allele CA2801411.

ClinVar aggregate classification (germline): Uncertain significance. Review status: criteria provided, multiple submitters, no conflicts (2 of 4 stars). 3 submissions from 3 submitters: Uncertain significance (3). Last evaluated 2025-09-04.

Conditions:
Inborn genetic diseases. Identifiers: MedGen C0950123, MeSH D030342.
Hypersulfaturia (HYSULF). Identifiers: MedGen C5830511, MONDO:0957268, OMIM 620372.
Nephrolithiasis susceptibility caused by SLC26A1 (CAON1). Also called: NEPHROLITHIASIS, CALCIUM OXALATE, 1. Identifiers: MedGen C5779632, MONDO:0020722, OMIM 167030.

Allele frequency attached by ClinVar (database versions not stated): gnomAD 0.00006; ExAC 0.00009; 1000 Genomes Project 30x 0.00016.
gnomAD v4.1: 38 of 1,597,358 alleles (0.0024%); highest among the groups gnomAD compares: East Asian, 0.061%; no homozygotes.

Submissions (3):

Labcorp Genetics (formerly Invitae), Labcorp
Classification: Uncertain significance. Last evaluated: 2025-09-04. Review status: criteria provided, single submitter. Criteria: Invitae Variant Classification Sherloc (09022015). Collection method: clinical testing. Allele origin: germline.
Comment: This sequence change replaces aspartic acid, which is acidic and polar, with asparagine, which is neutral and polar, at codon 436 of the SLC26A1 protein (p.Asp436Asn). This variant is present in population databases (rs779417668, gnomAD 0.1%), and has an allele count higher than expected for a pathogenic variant. This variant has not been reported in the literature in individuals affected with SLC26A1-related conditions. ClinVar contains an entry for this variant (Variation ID: 2458562). Invitae Evidence Modeling of protein sequence and biophysical properties (such as structural, functional, and spatial information, amino acid conservation, physicochemical variation, residue mobility, and thermodynamic stability) indicates that this missense variant is not expected to disrupt SLC26A1 protein function with a negative predictive value of 80%. In summary, the available evidence is currently insufficient to determine the role of this variant in disease. Therefore, it has been classified as a Variant of Uncertain Significance.

Ambry Genetics
Classification: Uncertain significance for Inborn genetic diseases. Last evaluated: 2025-05-16. Review status: criteria provided, single submitter. Criteria: Ambry Variant Classification Scheme 2023. Collection method: clinical testing. Allele origin: germline.

Fulgent Genetics
Classification: Uncertain significance for Nephrolithiasis susceptibility caused by SLC26A1; Hypersulfaturia. Last evaluated: 2024-04-02. Review status: criteria provided, single submitter. Criteria: ACMG Guidelines, 2015. Collection method: clinical testing. Allele origin: germline.